The following is an entry in ClinVar:

NM_006904.7(PRKDC):c.3091C>T (p.Arg1031Trp)

Gene: PRKDC (protein kinase, DNA-activated, catalytic subunit; minus strand). Cytogenetic location: 8q11.21.
Variant type: single nucleotide variant.
Coding change: c.3091C>T on transcript NM_006904.7 (MANE Select); coding-DNA position 3091, C replaced by T.
Protein change: p.Arg1031Trp; replaces arginine 1031 with tryptophan.
Molecular consequence: missense variant.
Genome position (GRCh38, 1-based): chr8:47,902,747, G>A on the plus strand (C>T on the coding strand, the complement: PRKDC is on the minus strand). VCF-style: chr8-47902747-G-A. GRCh37 (hg19) VCF-style: chr8-48815307-G-A.
Other names: c.3091C>T, p.Arg1031Trp (NM_001081640.2); c.3091C>T (NM_006904.6); short protein forms R1031W.
Identifiers: ClinVar variation 1357287 (VCV001357287.7), dbSNP rs763393727, ClinGen allele CA4741269.

ClinVar aggregate classification (germline): Uncertain significance. Review status: criteria provided, multiple submitters, no conflicts (2 of 4 stars). 2 submissions from 2 submitters: Uncertain significance (2). Last evaluated 2023-12-06.

Conditions:
Severe combined immunodeficiency due to DNA-PKcs deficiency. Also called: Immunodeficiency 26 with or without neurologic abnormalities; IMMUNODEFICIENCY 26 WITH NEUROLOGIC ABNORMALITIES. Identifiers: Orphanet 317425, MedGen C4014833, MONDO:0014423, OMIM 615966.

Allele frequency attached by ClinVar (database versions not stated): gnomAD exomes below 0.00001; ExAC 0.00001; gnomAD 0.00001; TOPMed 0.00001.
gnomAD v4.1: 5 of 1,613,300 alleles (0.00031%); highest among the groups gnomAD compares: South Asian, 0.0022%; no homozygotes.

Submissions (2):

Labcorp Genetics (formerly Invitae), Labcorp
Classification: Uncertain significance for Severe combined immunodeficiency due to DNA-PKcs deficiency. Last evaluated: 2023-12-06. Review status: criteria provided, single submitter. Criteria: Invitae Variant Classification Sherloc (09022015). Collection method: clinical testing. Allele origin: germline.
Comment: This sequence change replaces arginine, which is basic and polar, with tryptophan, which is neutral and slightly polar, at codon 1031 of the PRKDC protein (p.Arg1031Trp). This variant is present in population databases (rs763393727, gnomAD 0.003%). This variant has not been reported in the literature in individuals affected with PRKDC-related conditions. ClinVar contains an entry for this variant (Variation ID: 1357287). Advanced modeling of protein sequence and biophysical properties (such as structural, functional, and spatial information, amino acid conservation, physicochemical variation, residue mobility, and thermodynamic stability) performed at Invitae indicates that this missense variant is expected to disrupt PRKDC protein function with a positive predictive value of 80%. In summary, the available evidence is currently insufficient to determine the role of this variant in disease. Therefore, it has been classified as a Variant of Uncertain Significance.

Ambry Genetics
Classification: Uncertain significance. Last evaluated: 2023-07-23. Review status: criteria provided, single submitter. Criteria: Ambry Variant Classification Scheme 2023. Collection method: clinical testing. Allele origin: germline.
Comment: The p.R1031W variant (also known as c.3091C>T), located in coding exon 27 of the PRKDC gene, results from a C to T substitution at nucleotide position 3091. The arginine at codon 1031 is replaced by tryptophan, an amino acid with dissimilar properties. This amino acid position is conserved. In addition, this alteration is predicted to be tolerated by in silico analysis. Since supporting evidence is limited at this time, the clinical significance of this alteration remains unclear.